The following is an entry in ClinVar:

NM_054012.4(ASS1):c.766G>A (p.Glu256Lys)

Gene: ASS1 (argininosuccinate synthase 1; plus strand). Cytogenetic location: 9q34.11.
Variant type: single nucleotide variant.
Coding change: c.766G>A on transcript NM_054012.4 (MANE Select); coding-DNA position 766, G replaced by A.
Protein change: p.Glu256Lys; replaces glutamic acid 256 with lysine.
Molecular consequence: missense variant.
Genome position (GRCh38, 1-based): chr9:130,479,793, G>A. VCF-style: chr9-130479793-G-A. GRCh37 (hg19) VCF-style: chr9-133355180-G-A.
Other names: c.766G>A, p.Glu256Lys (NM_000050.4); short protein forms E256K.
Identifiers: ClinVar variation 235312 (VCV000235312.19), dbSNP rs74923032, ClinGen allele CA5283452.

ClinVar aggregate classification (germline): Benign/Likely benign. Review status: criteria provided, multiple submitters, no conflicts (2 of 4 stars). 5 submissions from 5 submitters: Benign (3); Likely benign (1). 1 of the submissions does not count toward it. Last evaluated 2026-02-01.

Conditions:
Citrullinemia. Identifiers: Orphanet 187, MedGen C0175683, MONDO:0015991.
Citrullinemia type I (CTNL1). Also called: argininosuccinate synthetase deficiency; ASS DEFICIENCY. Identifiers: Orphanet 247525, MedGen C4721769, MONDO:0008988, OMIM 215700.

Allele frequency attached by ClinVar (database versions not stated): gnomAD exomes 0.00094 and 0.00220; ExAC 0.00278; 1000 Genomes Project 0.00719; 1000 Genomes Project 30x 0.00796; gnomAD 0.00868 and 0.00937; TOPMed 0.00999; ESP Exome Variant Server 0.01053.
gnomAD v4.1: 2,761 of 1,613,998 alleles (0.17%); highest among the groups gnomAD compares: African/African-American, 3%; 41 homozygotes.

Submissions (5):

Labcorp Genetics (formerly Invitae), Labcorp
Classification: Benign for Citrullinemia. Last evaluated: 2026-02-01. Review status: criteria provided, single submitter. Criteria: Invitae Variant Classification Sherloc (09022015). Collection method: clinical testing. Allele origin: germline.

Illumina Laboratory Services, Illumina
Classification: Benign for Citrullinemia type I. Last evaluated: 2018-01-13. Review status: criteria provided, single submitter. Criteria: ICSL Variant Classification Criteria 13 December 2019. Collection method: clinical testing. Allele origin: germline.
Comment: This variant was observed in the ICSL laboratory as part of a predisposition screen in an ostensibly healthy population. It had not been previously curated by ICSL or reported in the Human Gene Mutation Database (HGMD: prior to June 1st, 2018), and was therefore a candidate for classification through an automated scoring system. Utilizing variant allele frequency, disease prevalence and penetrance estimates, and inheritance mode, an automated score was calculated to assess if this variant is too frequent to cause the disease. Based on the score and internal cut-off values, a variant classified as benign is not then subjected to further curation. The score for this variant resulted in a classification of benign for this disease.

Center for Pediatric Genomic Medicine, Children's Mercy Hospital and Clinics
Classification: Likely benign. Last evaluated: 2016-02-11. Review status: criteria provided, single submitter. Criteria: ACMG Guidelines, 2015. Collection method: clinical testing. Allele origin: germline.
ClinVar note: Converted during submission from Likely Benign to Likely benign.

GeneDx
Classification: Benign. Last evaluated: 2016-02-11. Review status: criteria provided, single submitter. Criteria: GeneDx Variant Classification (06012015). Collection method: clinical testing. Allele origin: germline. Affected: yes.
Comment: This variant is considered likely benign or benign based on one or more of the following criteria: it is a conservative change, it occurs at a poorly conserved position in the protein, it is predicted to be benign by multiple in silico algorithms, and/or has population frequency not consistent with disease.

Natera, Inc.
Classification: Benign for Citrullinemia type I. Last evaluated: 2020-04-13. Review status: no assertion criteria provided. Collection method: clinical testing. Allele origin: germline. Not counted in ClinVar's aggregate classification.